The following is an entry in ClinVar:

NM_001164665.2(KIAA1549):c.5079C>A (p.Asp1693Glu)

Gene: KIAA1549 (KIAA1549; minus strand). Cytogenetic location: 7q34.
Variant type: single nucleotide variant.
Coding change: c.5079C>A on transcript NM_001164665.2 (MANE Select); coding-DNA position 5079, C replaced by A.
Protein change: p.Asp1693Glu; replaces aspartic acid 1693 with glutamic acid.
Molecular consequence: missense variant.
Genome position (GRCh38, 1-based): chr7:138,861,307, G>T on the plus strand (C>A on the coding strand, the complement: KIAA1549 is on the minus strand). VCF-style: chr7-138861307-G-T. GRCh37 (hg19) VCF-style: chr7-138546053-G-T.
Other names: c.5079C>A, p.Asp1693Glu (NM_020910.3); short protein forms D1693E.
Identifiers: ClinVar variation 3026936 (VCV003026936.22), dbSNP rs552002443, ClinGen allele CA4505661.

ClinVar aggregate classification (germline): Uncertain significance (1 of 4 stars; one submission).

gnomAD v4.1: 1 of 1,608,952 alleles (0.000062%); highest among the groups gnomAD compares: Non-Finnish European, 0.000085%; no homozygotes.

Submission:

CeGaT Center for Human Genetics Tuebingen
Classification: Uncertain significance. Last evaluated: 2024-01-01. Review status: criteria provided, single submitter. Criteria: CeGaT Center For Human Genetics Tuebingen Variant Classification Criteria Version 2. Collection method: clinical testing. Allele origin: germline. Affected: yes. Observed: 1 variant allele.
Comment: KIAA1549: PM2